The following is an entry in ClinVar:

NM_001199107.2(TBC1D24):c.1590C>G (p.Cys530Trp)

Gene: TBC1D24 (TBC1 domain family member 24; plus strand). Cytogenetic location: 16p13.3.
Variant type: single nucleotide variant.
Coding change: c.1590C>G on transcript NM_001199107.2 (MANE Select); coding-DNA position 1590, C replaced by G.
Protein change: p.Cys530Trp; replaces cysteine 530 with tryptophan.
Molecular consequence: missense variant.
Genome position (GRCh38, 1-based): chr16:2,500,868, C>G. VCF-style: chr16-2500868-C-G. GRCh37 (hg19) VCF-style: chr16-2550869-C-G.
Other names: c.1572C>G, p.Cys524Trp (NM_020705.3); short protein forms C530W, C524W.
Identifiers: ClinVar variation 409616 (VCV000409616.13), dbSNP rs1060502501, ClinGen allele CA16615321.

ClinVar aggregate classification (germline): Conflicting classifications of pathogenicity. Review status: criteria provided, conflicting classifications (1 of 4 stars). 2 submissions from 2 submitters: Pathogenic (1); Uncertain significance (1). Last evaluated 2025-10-01.

Conditions:
Developmental and epileptic encephalopathy, 1 (DEE1). Also called: X-linked infantile spasms; West's syndrome; Tonic spasms with clustering, arrest of psychomotor development and hypsarrhythmia on EEG; X-Linked Infantile Spasm Syndrome; OHTAHARA SYNDROME, X-LINKED; INFANTILE SPASM SYNDROME, X-LINKED 1. Identifiers: MedGen C3463992, MONDO:0010632, OMIM 308350. Disease mechanism: loss of function.
Autosomal dominant nonsyndromic hearing loss 65. Also called: TBC1D24-Related Autosomal Dominant Nonsyndromic Hearing Loss (DFNA); Deafness, autosomal dominant 65. Identifiers: Orphanet 90635, MedGen C3892048, MONDO:0014470, OMIM 616044.

Allele frequency attached by ClinVar (database versions not stated): TOPMed below 0.00001.
gnomAD v4.1: 3 of 1,612,678 alleles (0.00019%); highest among the groups gnomAD compares: South Asian, 0.0011%; no homozygotes.

Submissions (2):

GeneDx
Classification: Uncertain significance. Last evaluated: 2025-10-01. Review status: criteria provided, single submitter. Criteria: GeneDx Variant Classification Process June 2021. Collection method: clinical testing. Allele origin: germline. Affected: yes.
Comment: Not observed at significant frequency in large population cohorts (gnomAD); In silico analysis supports that this missense variant has a deleterious effect on protein structure/function; Has not been previously published as pathogenic or benign to our knowledge; Has not been previously published as pathogenic or benign to our knowledge

Labcorp Genetics (formerly Invitae), Labcorp
Classification: Pathogenic for Developmental and epileptic encephalopathy, 1; Autosomal dominant nonsyndromic hearing loss 65. Last evaluated: 2022-06-27. Review status: criteria provided, single submitter. Criteria: Invitae Variant Classification Sherloc (09022015). Collection method: clinical testing. Allele origin: germline.
Comment: For these reasons, this variant has been classified as Pathogenic. Advanced modeling of protein sequence and biophysical properties (such as structural, functional, and spatial information, amino acid conservation, physicochemical variation, residue mobility, and thermodynamic stability) performed at Invitae indicates that this missense variant is expected to disrupt TBC1D24 protein function. ClinVar contains an entry for this variant (Variation ID: 409616). This missense change has been observed in individual(s) with clinical features of autosomal recessive TBC1D24-related conditions (Invitae). In at least one individual the data is consistent with being in trans (on the opposite chromosome) from a pathogenic variant. This variant is not present in population databases (gnomAD no frequency). This sequence change replaces cysteine, which is neutral and slightly polar, with tryptophan, which is neutral and slightly polar, at codon 530 of the TBC1D24 protein (p.Cys530Trp).